The following is an entry in ClinVar:

ClinVar aggregate classification (germline): Uncertain significance. Review status: criteria provided, multiple submitters, no conflicts (2 of 4 stars). 2 submissions from 2 submitters: Uncertain significance (2). Last evaluated 2025-10-24.

Conditions:
Inborn genetic diseases. Identifiers: MedGen C0950123, MeSH D030342.

Allele frequency attached by ClinVar (database versions not stated): TOPMed 0.00004; gnomAD 0.00007; ESP Exome Variant Server 0.00008; 1000 Genomes Project 30x 0.00016; ExAC 0.00018; 1000 Genomes Project 0.00020.
gnomAD v4.1: 104 of 1,606,560 alleles (0.0065%); highest among the groups gnomAD compares: Non-Finnish European, 0.0044%; no homozygotes.

Submissions (2):

Labcorp Genetics (formerly Invitae), Labcorp
Classification: Uncertain significance. Last evaluated: 2025-10-24. Review status: criteria provided, single submitter. Criteria: Invitae Variant Classification Sherloc (09022015). Collection method: clinical testing. Allele origin: germline.
Comment: This sequence change replaces threonine, which is neutral and polar, with methionine, which is neutral and non-polar, at codon 554 of the LEMD3 protein (p.Thr554Met). This variant is present in population databases (rs188376092, gnomAD 0.04%), and has an allele count higher than expected for a pathogenic variant. This variant has not been reported in the literature in individuals affected with LEMD3-related conditions. ClinVar contains an entry for this variant (Variation ID: 2896235). Invitae Evidence Modeling of protein sequence and biophysical properties (such as structural, functional, and spatial information, amino acid conservation, physicochemical variation, residue mobility, and thermodynamic stability) indicates that this missense variant is not expected to disrupt LEMD3 protein function with a negative predictive value of 80%. In summary, the available evidence is currently insufficient to determine the role of this variant in disease. Therefore, it has been classified as a Variant of Uncertain Significance.

Ambry Genetics
Classification: Uncertain significance for Inborn genetic diseases. Last evaluated: 2023-12-19. Review status: criteria provided, single submitter. Criteria: Ambry Variant Classification Scheme 2023. Collection method: clinical testing. Allele origin: germline.

NM_014319.5(LEMD3):c.1661C>T (p.Thr554Met)

Gene: LEMD3 (LEM domain containing 3; plus strand). Cytogenetic location: 12q14.3.
Variant type: single nucleotide variant.
Coding change: c.1661C>T on transcript NM_014319.5 (MANE Select); coding-DNA position 1661, C replaced by T.
Protein change: p.Thr554Met; replaces threonine 554 with methionine.
Molecular consequence: missense variant.
Genome position (GRCh38, 1-based): chr12:65,218,585, C>T. VCF-style: chr12-65218585-C-T. GRCh37 (hg19) VCF-style: chr12-65612365-C-T.
Other names: c.1658C>T, p.Thr553Met (NM_001167614.2); c.1661C>T (NM_014319.4); short protein forms T553M, T554M.
Identifiers: ClinVar variation 2896235 (VCV002896235.4), dbSNP rs188376092, ClinGen allele CA6670992.
Genomic context (GRCh38, chr12:65,218,585, plus strand): 5'-AAATTAATAATATGCTAATCTTTCCAGGAGATCATGAATGTGGCAGTTCTAGTCAAAGAA[C>T]GCTTTCTGTTCAAGAGGCAGCTGCGTATTTAAAAGTAAGCAATGAAATTAGAATTTTAAT-3'
Protein context (NP_055134.2, residues 544-564): DHECGSSSQR[Thr554Met]LSVQEAAAYL